The following is an entry in ClinVar:

NM_002878.4(RAD51D):c.502C>T (p.Gln168Ter)

Genes: RAD51D (RAD51 paralog D; minus strand), RAD51L3-RFFL (RAD51L3-RFFL readthrough; minus strand). Cytogenetic location: 17q12.
Variant type: single nucleotide variant.
Coding change: c.502C>T on transcript NM_002878.4 (MANE Select); coding-DNA position 502, C replaced by T.
Protein change: p.Gln168Ter; replaces glutamine 168 with a stop codon.
Molecular consequence: nonsense. On other transcripts: non-coding transcript variant (3).
Genome position (GRCh38, 1-based): chr17:35,106,460, G>A on the plus strand (C>T on the coding strand, the complement: RAD51D is on the minus strand). VCF-style: chr17-35106460-G-A. GRCh37 (hg19) VCF-style: chr17-33433479-G-A.
Other names: c.562C>T, p.Gln188Ter (NM_001142571.2); c.166C>T, p.Gln56Ter (NM_133629.3); short protein forms Q168*, Q188*, Q56*.
Identifiers: ClinVar variation 1074527 (VCV001074527.7), dbSNP rs2142429527, ClinGen allele CA399088959.
Genomic context (GRCh38, chr17:35,106,460, plus strand): 5'-TGCCTCGGAGCTCCTGCAGCACATCCAGCATCTGGAAGATGTCAAATGCATGCACCACCT[G>A]GATCCTCCGGAGAGCTTCTGCCTGAAGCGGTGGAAAAGAAAAGCAAGGACTTTGGATAAG-3'

ClinVar aggregate classification (germline): Pathogenic/Likely pathogenic. Review status: criteria provided, multiple submitters, no conflicts (2 of 4 stars). 3 submissions from 3 submitters: Pathogenic (2); Likely pathogenic (1). Last evaluated 2024-01-04.

Conditions:
Breast-ovarian cancer, familial, susceptibility to, 4. Identifiers: Orphanet 145, MedGen C3280345, MONDO:0013669, OMIM 614291.
RAD51D-related disorder. Also called: RAD51D-related condition.

Submissions (3):

Myriad Genetics, Inc.
Classification: Pathogenic for Breast-ovarian cancer, familial, susceptibility to, 4. Last evaluated: 2024-01-04. Review status: criteria provided, single submitter. Criteria: Myriad Autosomal Dominant, Autosomal Recessive and X-Linked Classification Criteria (2023). Collection method: clinical testing. Allele origin: unknown.
Comment: This variant is considered pathogenic. This variant creates a termination codon and is predicted to result in premature protein truncation.

Blueprint Genetics
Classification: Likely pathogenic for RAD51D-related disorders. Last evaluated: 2023-01-25. Review status: criteria provided, single submitter. Criteria: ACMG Guidelines, 2015. Collection method: clinical testing. Allele origin: germline. Affected: yes. Observed: 1 variant allele.

Labcorp Genetics (formerly Invitae), Labcorp
Classification: Pathogenic for Breast-ovarian cancer, familial, susceptibility to, 4. Last evaluated: 2022-09-21. Review status: criteria provided, single submitter. Criteria: Invitae Variant Classification Sherloc (09022015). Collection method: clinical testing. Allele origin: germline.
Comment: For these reasons, this variant has been classified as Pathogenic. This variant has not been reported in the literature in individuals affected with RAD51D-related conditions. This variant is not present in population databases (gnomAD no frequency). This sequence change creates a premature translational stop signal (p.Gln168*) in the RAD51D gene. It is expected to result in an absent or disrupted protein product. Loss-of-function variants in RAD51D are known to be pathogenic (PMID: 21822267).

Literature cited by the submitters: PubMed 21822267 (cited by Labcorp Genetics (formerly Invitae), Labcorp).